The following is an entry in ClinVar:

ClinVar aggregate classification (germline): Uncertain significance (1 of 4 stars; one submission).

Submission:

GeneDx
Classification: Uncertain significance. Last evaluated: 2023-11-30. Review status: criteria provided, single submitter. Criteria: GeneDx Variant Classification Process June 2021. Collection method: clinical testing. Allele origin: germline. Affected: yes.
Comment: Not observed at significant frequency in large population cohorts (gnomAD); in frame deletion of 14 amino acids and insertion of 6 amino acids in a non-repeat region; In silico analysis supports a deleterious effect on protein structure/function; Has not been previously published as pathogenic or benign to our knowledge

NM_001256007.3(PNPLA8):c.294_333delinsACTCTGTTTTTGGCAA (p.Asn98_Val111delinsLysLeuCysPheTrpGln)

Gene: PNPLA8 (patatin like phospholipase domain containing 8; minus strand). Cytogenetic location: 7q31.1.
Variant type: Indel.
Coding change: c.294_333delinsACTCTGTTTTTGGCAA on transcript NM_001256007.3 (MANE Select); coding-DNA positions 294 to 333, the reference bases replaced by ACTCTGTTTTTGGCAA.
Protein change: p.Asn98_Val111delinsLysLeuCysPheTrpGln.
Molecular consequence: inframe indel. On other transcripts: initiator codon variant (2).
Genome position (GRCh38, 1-based): chr7:108,515,159-108,515,198, 40 bases replaced. GRCh37 (hg19): chr7:108,155,603-108,155,642.
Other names: c.294_333delinsACTCTGTTTTTGGCAA, p.Asn98_Val111delinsLysLeuCysPheTrpGln (NM_001256008.3, NM_001256009.3, NM_015723.5); c.-7_33delinsACTCTGTTTTTGGCAA, p.Met1_Val11delinsPheTrpGln (NM_001256010.3, NM_001256011.3).
Identifiers: ClinVar variation 3364910 (VCV003364910.1).